The following is an entry in ClinVar:

ClinVar aggregate classification (germline): Pathogenic (1 of 4 stars; one submission).

Conditions:
D-2-hydroxyglutaric aciduria 1 (D2HGA1). Identifiers: Orphanet 79315, MedGen C3152055, MONDO:0024554, OMIM 600721.

Submission:

Labcorp Genetics (formerly Invitae), Labcorp
Classification: Pathogenic for D-2-hydroxyglutaric aciduria 1. Last evaluated: 2022-10-28. Review status: criteria provided, single submitter. Criteria: Invitae Variant Classification Sherloc (09022015). Collection method: clinical testing. Allele origin: germline.
Comment: This variant is not present in population databases (gnomAD no frequency). For these reasons, this variant has been classified as Pathogenic. This variant disrupts a region of the D2HGDH protein in which other variant(s) (p.Ala474Val) have been determined to be pathogenic (PMID: 30908763, 33431826; Invitae). This suggests that this is a clinically significant region of the protein, and that variants that disrupt it are likely to be disease-causing. ClinVar contains an entry for this variant (Variation ID: 579877). This variant has not been reported in the literature in individuals affected with D2HGDH-related conditions. This sequence change creates a premature translational stop signal (p.Ser452Argfs*228) in the D2HGDH gene. While this is not anticipated to result in nonsense mediated decay, it is expected to disrupt the last 70 amino acid(s) of the D2HGDH protein.

Literature cited by the submitters: PubMed 30908763; PubMed 33431826.

NM_152783.5(D2HGDH):c.1353del (p.Ser452fs)

Gene: D2HGDH (D-2-hydroxyglutarate dehydrogenase; plus strand). Cytogenetic location: 2q37.3.
Variant type: Deletion.
Coding change: c.1353del on transcript NM_152783.5 (MANE Select); coding-DNA position 1353, one base deleted (C; older notation c.1353delC).
Protein change: p.Ser452fs; shifts the reading frame from serine 452.
Molecular consequence: frameshift variant. On other transcripts: non-coding transcript variant (1).
Genome position (GRCh38, 1-based): chr2:241,767,756, C deleted; the last of 4 consecutive C bases (chr2:241,767,753-241,767,756); deleting any one gives the same sequence. VCF-style (leftmost placement, unchanged base first): chr2-241767752-GC-G. GRCh37 (hg19) VCF-style: chr2-242707167-GC-G.
Other names: c.951del, p.Ser318fs (NM_001287249.2); c.792del, p.Ser265fs (NM_001352824.2); short protein forms S318fs, S265fs, S452fs.
Identifiers: ClinVar variation 579877 (VCV000579877.6), dbSNP rs1559404382, ClinGen allele CA891843443.